The following is an entry in ClinVar:

ClinVar aggregate classification (germline): Uncertain significance (1 of 4 stars; one submission).

Submission:

Women's Health and Genetics/Laboratory Corporation of America, LabCorp
Classification: Uncertain significance. Last evaluated: 2025-11-10. Review status: criteria provided, single submitter. Criteria: LabCorp Variant Classification Summary - May 2015. Collection method: clinical testing. Allele origin: germline.
Comment: Variant summary: COL9A1 c.602T>A (p.Ile201Asn) results in a non-conservative amino acid change in the encoded protein sequence. Algorithms developed to predict the effect of missense changes on protein structure and function are either unavailable or do not agree on the potential impact of this missense change. The variant was absent in 251286 control chromosomes. The available data on variant occurrences in the general population are insufficient to allow any conclusion about variant significance. To our knowledge, no occurrence of c.602T>A in individuals affected with COL9A1-related conditions and no experimental evidence demonstrating its impact on protein function have been reported. No submitters have cited clinical-significance assessments for this variant to ClinVar. Based on the evidence outlined above, the variant was classified as uncertain significance.

NM_001851.6(COL9A1):c.602T>A (p.Ile201Asn)

Gene: COL9A1 (collagen type IX alpha 1 chain; minus strand). Cytogenetic location: 6q13.
Variant type: single nucleotide variant.
Coding change: c.602T>A on transcript NM_001851.6 (MANE Select); coding-DNA position 602, T replaced by A.
Protein change: p.Ile201Asn; replaces isoleucine 201 with asparagine.
Molecular consequence: missense variant.
Genome position (GRCh38, 1-based): chr6:70,294,261, A>T on the plus strand (T>A on the coding strand, the complement: COL9A1 is on the minus strand). VCF-style: chr6-70294261-A-T. GRCh37 (hg19) VCF-style: chr6-71003964-A-T.
Other names: c.602T>A, p.Ile201Asn (NM_001377291.1); short protein forms I201N.
Identifiers: ClinVar variation 4536909 (VCV004536909.1).